The following is an entry in ClinVar:

NM_000278.5(PAX2):c.725_728dup (p.Val244fs)

Gene: PAX2 (paired box 2; plus strand). Cytogenetic location: 10q24.31.
Variant type: Duplication.
Coding change: c.725_728dup on transcript NM_000278.5 (MANE Select); coding-DNA positions 725 to 728, 4 bases duplicated (ATCG; older notation c.725_728dupATCG).
Protein change: p.Val244fs; shifts the reading frame from valine 244.
Molecular consequence: frameshift variant.
Genome position (GRCh38, 1-based): chr10:100,806,538-100,806,541, ATCG duplicated; duplicating any 4 consecutive bases within chr10:100,806,537-100,806,541 gives the same sequence; the c. name uses the placement nearest the transcript's 3' end. VCF-style (leftmost placement, unchanged base first): chr10-100806536-G-GGATC. GRCh37 (hg19) VCF-style: chr10-102566293-G-GGATC.
Other names: c.818_821dup, p.Val275fs (NM_001304569.2); c.794_797dup, p.Val267fs (NM_003987.5, NM_003990.5); c.725_728dup, p.Val244fs (NM_003988.5, NM_003989.5); short protein forms V244fs, V267fs, V275fs.
Identifiers: ClinVar variation 3775331 (VCV003775331.1).

ClinVar aggregate classification (germline): Likely pathogenic (1 of 4 stars; one submission).

Conditions:
Focal segmental glomerulosclerosis 7 (FSGS7). Identifiers: Orphanet 656, MedGen C4014925, MONDO:0014451, OMIM 616002.

Submission:

3billion
Classification: Likely pathogenic for Focal segmental glomerulosclerosis 7. Last evaluated: 2023-11-26. Review status: criteria provided, single submitter. Criteria: ACMG Guidelines, 2015. Collection method: clinical testing. Allele origin: germline. Affected: yes.
Comment: The variant is not observed in the gnomAD v2.1.1 dataset. Predicted Consequence/Location: Frameshift: predicted to result in a loss or disruption of normal protein function through nonsense-mediated decay (NMD) or protein truncation. Multiple pathogenic variants are reported downstream of the variant. Therefore, this variant is classified as Likely pathogenic according to the recommendation of ACMG/AMP guideline.